The following is an entry in ClinVar:

NM_138694.4(PKHD1):c.2864T>G (p.Phe955Cys)

Gene: PKHD1 (PKHD1 ciliary IPT domain containing fibrocystin/polyductin; minus strand). Cytogenetic location: 6p12.2.
Variant type: single nucleotide variant.
Coding change: c.2864T>G on transcript NM_138694.4 (MANE Select); coding-DNA position 2864, T replaced by G.
Protein change: p.Phe955Cys; replaces phenylalanine 955 with cysteine.
Molecular consequence: missense variant.
Genome position (GRCh38, 1-based): chr6:52,043,092, A>C on the plus strand (T>G on the coding strand, the complement: PKHD1 is on the minus strand). VCF-style: chr6-52043092-A-C. GRCh37 (hg19) VCF-style: chr6-51907890-A-C.
Other names: c.2864T>G, p.Phe955Cys (NM_170724.3); short protein forms F955C.
Identifiers: ClinVar variation 636948 (VCV000636948.17), dbSNP rs777158800, ClinGen allele CA3853085.

ClinVar aggregate classification (germline): Conflicting classifications of pathogenicity. Review status: criteria provided, conflicting classifications (1 of 4 stars). 6 submissions from 6 submitters: Pathogenic (2); Likely pathogenic (1); Uncertain significance (1). 2 of the submissions do not count toward it. Last evaluated 2025-09-30.

Conditions:
PKHD1-related disorder. Also called: PKHD1-related condition.
Polycystic kidney disease. Also called: Polycystic kidney dysplasia; Kidney, Polycystic. Identifiers: MedGen C0022680, MeSH D007690, MONDO:0020642, HP:0000113.
Autosomal recessive polycystic kidney disease (ARPKD). Also called: AR polycystic kidney disease. Identifiers: Orphanet 731, Orphanet 8378, MedGen C0085548, MeSH D017044, MONDO:0009889.

Allele frequency attached by ClinVar (database versions not stated): TOPMed below 0.00001; ExAC 0.00001; gnomAD 0.00001; gnomAD exomes 0.00002.
gnomAD v4.1: 33 of 1,613,354 alleles (0.002%); highest among the groups gnomAD compares: Non-Finnish European, 0.0028%; no homozygotes.

Submissions (6):

PreventionGenetics, part of Exact Sciences
Classification: Pathogenic for PKHD1-related condition. Last evaluated: 2025-09-30. Review status: criteria provided, single submitter. Criteria: ACMG Guidelines, 2015. Collection method: clinical testing. Allele origin: germline.
Comment: The PKHD1 c.2864T>G variant is predicted to result in the amino acid substitution p.Phe955Cys. This variant has been reported with a pathogenic variant in PKHD1 in an individual with renal cysts and hepatic fibrosis (Table S3, Deutsch et al. 2024. PubMed ID: 38868576). Of note, this variant has been found in the homozygous or compound heterozygous state in multiple individuals tested for polycystic kidney disease at PreventionGenetics. This variant is reported in 0.0035% of alleles in individuals of European (Non-Finnish) descent in gnomAD. This variant is interpreted as pathogenic.

Blueprint Genetics
Classification: Likely pathogenic for PKHD1-related disorders. Last evaluated: 2024-10-21. Review status: criteria provided, single submitter. Criteria: ACMG Guidelines, 2015. Collection method: clinical testing. Allele origin: germline. Affected: yes. Observed: 3 variant alleles.

Labcorp Genetics (formerly Invitae), Labcorp
Classification: Pathogenic for Autosomal recessive polycystic kidney disease. Last evaluated: 2023-11-27. Review status: criteria provided, single submitter. Criteria: Invitae Variant Classification Sherloc (09022015). Collection method: clinical testing. Allele origin: germline.
Comment: This sequence change replaces phenylalanine, which is neutral and non-polar, with cysteine, which is neutral and slightly polar, at codon 955 of the PKHD1 protein (p.Phe955Cys). This variant is present in population databases (rs777158800, gnomAD 0.003%). This missense change has been observed in individual(s) with polycystic kidney disease (Invitae). In at least one individual the data is consistent with being in trans (on the opposite chromosome) from a pathogenic variant. ClinVar contains an entry for this variant (Variation ID: 636948). Advanced modeling of protein sequence and biophysical properties (such as structural, functional, and spatial information, amino acid conservation, physicochemical variation, residue mobility, and thermodynamic stability) performed at Invitae indicates that this missense variant is expected to disrupt PKHD1 protein function with a positive predictive value of 95%. For these reasons, this variant has been classified as Pathogenic.

GeneDx
Classification: Uncertain significance. Last evaluated: 2022-04-22. Review status: criteria provided, single submitter. Criteria: GeneDx Variant Classification Process June 2021. Collection method: clinical testing. Allele origin: germline. Affected: yes.
Comment: Not observed at significant frequency in large population cohorts (gnomAD); In silico analysis supports that this missense variant has a deleterious effect on protein structure/function; Has not been previously published as pathogenic or benign to our knowledge

Natera, Inc.
Classification: Uncertain significance for Autosomal recessive polycystic kidney disease. Last evaluated: 2020-09-16. Review status: no assertion criteria provided. Collection method: clinical testing. Allele origin: germline. Not counted in ClinVar's aggregate classification.

Department of Pathology and Laboratory Medicine, Sinai Health System
Classification: Uncertain significance for Polycystic Kidney disease. Review status: no assertion criteria provided. Collection method: clinical testing. Allele origin: unknown. Affected: yes. Study: The Canadian Open Genetics Repository (COGR). Not counted in ClinVar's aggregate classification.
Comment: The PKHD1 p.Phe955Cys variant was not identified in the literature nor was it identified in the ClinVar, LOVD 3.0, or RWTH AAachen University ARPKD databases. The variant was identified in dbSNP (ID: rs777158800). The variant was also identified in control databases in 3 of 245556 chromosomes at a frequency of 0.000012 (Genome Aggregation Database Feb 27, 2017). The variant was observed in the European population in 3 of 111208 chromosomes (freq: 0.00003); it was not observed in the African, Other, Latino, Ashkenazi Jewish, East Asian, Finnish, or South Asian populations. The p.Phe955 residue is conserved in mammals but not in more distantly related organisms, and four out of five computational analyses (PolyPhen-2, SIFT, AlignGVGD, BLOSUM, MutationTaster) suggest that the phenylalanine variant may impact the protein; however, this information is not predictive enough to assume pathogenicity. The identification of this variant in an individual with a co-occurring pathogenic variant and in the context of a clinical presentation consistent with ARPKD increases the likelihood this variant may have clinical significance. In summary, based on the above information the clinical significance of this variant cannot be determined with certainty at this time. This variant is classified as a variant of uncertain significance.